The following is an entry in ClinVar:

ClinVar aggregate classification (germline): Benign. Review status: criteria provided, multiple submitters, no conflicts (2 of 4 stars). 3 submissions from 2 submitters: Benign (3). Last evaluated 2018-01-13.

Conditions:
Adult-onset proximal spinal muscular atrophy, autosomal dominant. Also called: FINKEL LATE-ADULT TYPE SMA; Spinal muscular atrophy, late-onset, finkel type. Identifiers: Orphanet 209335, MedGen C1854058, MONDO:0008453, OMIM 182980.
Amyotrophic lateral sclerosis type 8 (ALS8). Identifiers: Orphanet 803, MedGen C1837728, MONDO:0012077, OMIM 608627.

Allele frequency attached by ClinVar (database versions not stated): gnomAD 0.00708 and 0.00707; TOPMed 0.00753; ExAC 0.01155; 1000 Genomes Project 0.00479; 1000 Genomes Project 30x 0.00547.
gnomAD v4.1: 3,946 of 454,704 alleles (0.87%); highest among the groups gnomAD compares: Middle Eastern, 1.1%; 36 homozygotes.

Submissions (7):

Illumina Laboratory Services, Illumina
Classification: Benign for Adult-onset proximal spinal muscular atrophy, autosomal dominant. Last evaluated: 2018-01-13. Review status: criteria provided, single submitter. Criteria: ICSL Variant Classification Criteria 13 December 2019. Collection method: clinical testing. Allele origin: germline.
Comment: This variant was observed in the ICSL laboratory as part of a predisposition screen in an ostensibly healthy population. It had not been previously curated by ICSL or reported in the Human Gene Mutation Database (HGMD: prior to June 1st, 2018), and was therefore a candidate for classification through an automated scoring system. Utilizing variant allele frequency, disease prevalence and penetrance estimates, and inheritance mode, an automated score was calculated to assess if this variant is too frequent to cause the disease. Based on the score and internal cut-off values, a variant classified as benign is not then subjected to further curation. The score for this variant resulted in a classification of benign for this disease.

Illumina Laboratory Services, Illumina
Classification: Benign for Amyotrophic lateral sclerosis type 8. Last evaluated: 2018-01-13. Review status: criteria provided, single submitter. Criteria: ICSL Variant Classification Criteria 13 December 2019. Collection method: clinical testing. Allele origin: germline.
Comment: the same text as in the submission from Illumina Laboratory Services, Illumina above.

Breakthrough Genomics
Classification: Benign. Review status: criteria provided, single submitter. Criteria: ACMG Guidelines, 2015. Collection method: not provided. Allele origin: germline. Inheritance: Autosomal dominant inheritance. Affected: yes.

Dr. Peter K. Rogan Lab, Western University
No classification provided (evidence only). Condition: Acute myeloid leukemia. Review status: no classification provided. Collection method: in vitro. Allele origin: not applicable. Functional consequence: retained intron. Not counted in ClinVar's aggregate classification.

Dr. Peter K. Rogan Lab, Western University
No classification provided (evidence only). Condition: Uterine corpus endometrial carcinoma. Review status: no classification provided. Collection method: in vitro. Allele origin: not applicable. Functional consequence: retained intron. Not counted in ClinVar's aggregate classification.

Dr. Peter K. Rogan Lab, Western University
No classification provided (evidence only). Condition: Sarcoma. Review status: no classification provided. Collection method: in vitro. Allele origin: not applicable. Functional consequence: retained intron. Not counted in ClinVar's aggregate classification.

Dr. Peter K. Rogan Lab, Western University
No classification provided (evidence only). Condition: Thymoma. Review status: no classification provided. Collection method: in vitro. Allele origin: not applicable. Functional consequence: retained intron. Not counted in ClinVar's aggregate classification.

NM_004738.5(VAPB):c.*753C>G

Gene: VAPB (VAMP associated protein B and C; plus strand). Cytogenetic location: 20q13.32.
Variant type: single nucleotide variant.
Coding change: c.*753C>G on transcript NM_004738.5 (MANE Select); 753 bases downstream of the stop codon, C replaced by G.
Molecular consequence: 3 prime UTR variant. On other transcripts: non-coding transcript variant (1).
Genome position (GRCh38, 1-based): chr20:58,444,988, C>G. VCF-style: chr20-58444988-C-G. GRCh37 (hg19) VCF-style: chr20-57020044-C-G.
Other names: NC_000020.10:g.57020044C>G; c.*823C>G (NM_001195677.2).
Identifiers: ClinVar variation 338941 (VCV000338941.8), dbSNP rs6070466, ClinGen allele CA9924405.
Genomic context (GRCh38, chr20:58,444,988, plus strand): 5'-AGATGTTTAATGCATATTTAACTTATTTAATGTATTTCATCTCATGTTTTCTTATTGTCA[C>G]AAGAGTACAGTTAATGCTGCGTGCTGCTGAACTCTGTTGGGTGAACTGGTATTGCTGCTG-3'